The following is an entry in ClinVar:

ClinVar aggregate classification (germline): Likely pathogenic. Review status: criteria provided, multiple submitters, no conflicts (2 of 4 stars). 3 submissions from 3 submitters: Likely pathogenic (3). Last evaluated 2024-10-01.

Conditions:
REEP6-related disorder. Also called: REEP6-related condition.
Retinitis pigmentosa (RP). Identifiers: Orphanet 791, MedGen C0035334, MeSH D012174, MONDO:0019200, OMIM 268000. Inheritance: Autosomal dominant, autosomal recessive and X linked inheritance.

Allele frequency attached by ClinVar (database versions not stated): gnomAD exomes below 0.00001 and 0.00001; ExAC 0.00001; gnomAD 0.00001; TOPMed 0.00001.

Submissions (3):

Lab De Baere, Eye and Developmental Genetics Lab, Ghent University
Classification: Likely pathogenic for Retinitis pigmentosa. Last evaluated: 2024-10-01. Review status: criteria provided, single submitter. Criteria: ACMG Guidelines, 2015. Collection method: research. Allele origin: inherited. Affected: yes. Observed: 1 variant allele.
Comment: ACMG/AMP guidelines: PVS1, PM2

Labcorp Genetics (formerly Invitae), Labcorp
Classification: Likely pathogenic. Last evaluated: 2022-11-19. Review status: criteria provided, single submitter. Criteria: Invitae Variant Classification Sherloc (09022015). Collection method: clinical testing. Allele origin: germline.
Comment: ClinVar contains an entry for this variant (Variation ID: 1067550). This variant has not been reported in the literature in individuals affected with REEP6-related conditions. This variant is present in population databases (rs112200356, gnomAD 0.003%). This sequence change affects a donor splice site in intron 2 of the REEP6 gene. It is expected to disrupt RNA splicing. Variants that disrupt the donor or acceptor splice site typically lead to a loss of protein function (PMID: 16199547), and loss-of-function variants in REEP6 are known to be pathogenic (PMID: 27889058, 29120066). In summary, the currently available evidence indicates that the variant is pathogenic, but additional data are needed to prove that conclusively. Therefore, this variant has been classified as Likely Pathogenic. Algorithms developed to predict the effect of sequence changes on RNA splicing suggest that this variant may disrupt the consensus splice site.

Blueprint Genetics
Classification: Likely pathogenic for REEP6-related disorders. Last evaluated: 2021-10-05. Review status: criteria provided, single submitter. Criteria: ACMG Guidelines, 2015. Collection method: clinical testing. Allele origin: germline. Affected: yes. Observed: 1 variant allele.

Literature cited by the submitters: PubMed 16199547 (cited by Labcorp Genetics (formerly Invitae), Labcorp); PubMed 27889058 (cited by Labcorp Genetics (formerly Invitae), Labcorp); PubMed 29120066 (cited by Labcorp Genetics (formerly Invitae), Labcorp).

NM_138393.4(REEP6):c.209+1G>A

Gene: REEP6 (receptor accessory protein 6; plus strand). Cytogenetic location: 19p13.3.
Variant type: single nucleotide variant.
Coding change: c.209+1G>A on transcript NM_138393.4 (MANE Select); the canonical splice donor site of the intron after coding-DNA position 209, G replaced by A.
Molecular consequence: splice donor variant.
Genome position (GRCh38, 1-based): chr19:1,495,388, G>A. VCF-style: chr19-1495388-G-A. GRCh37 (hg19) VCF-style: chr19-1495387-G-A.
Other names: c.209+1G>A (NM_001329556.3).
Identifiers: ClinVar variation 1067550 (VCV001067550.9), dbSNP rs112200356, ClinGen allele CA9047430.